The following is an entry in ClinVar:

ClinVar aggregate classification (germline): Likely benign. Review status: criteria provided, multiple submitters, no conflicts (2 of 4 stars). 5 submissions from 5 submitters: Likely benign (5). Last evaluated 2026-01-19.

Conditions:
Inborn genetic diseases. Identifiers: MedGen C0950123, MeSH D030342.
Neurodevelopmental disorder with or without hyperkinetic movements and seizures, autosomal dominant. Also called: Intellectual disability, autosomal dominant 8. Identifiers: MedGen C3280282, MONDO:0013655, OMIM 614254.

Allele frequency attached by ClinVar (database versions not stated): ExAC 0.00005; 1000 Genomes Project 30x 0.00016; 1000 Genomes Project 0.00020; gnomAD exomes 0.00024 and 0.00035; gnomAD 0.00026; TOPMed 0.00027.
gnomAD v4.1: 519 of 1,554,878 alleles (0.033%); highest among the groups gnomAD compares: Admixed American, 0.081%; no homozygotes.

Submissions (5):

Labcorp Genetics (formerly Invitae), Labcorp
Classification: Likely benign for Neurodevelopmental disorder with or without hyperkinetic movements and seizures, autosomal dominant. Last evaluated: 2026-01-19. Review status: criteria provided, single submitter. Criteria: Invitae Variant Classification Sherloc (09022015). Collection method: clinical testing. Allele origin: germline.

Blueprint Genetics
Classification: Likely benign. Last evaluated: 2024-10-16. Review status: criteria provided, single submitter. Criteria: ACMG Guidelines, 2015. Collection method: clinical testing. Allele origin: germline.

CeGaT Center for Human Genetics Tuebingen
Classification: Likely benign. Last evaluated: 2022-04-01. Review status: criteria provided, single submitter. Criteria: CeGaT Center For Human Genetics Tuebingen Variant Classification Criteria Version 2. Collection method: clinical testing. Allele origin: germline. Affected: yes. Observed: 2 variant alleles.
Comment: GRIN1: BP4, BP7

GeneDx
Classification: Likely benign. Last evaluated: 2018-01-17. Review status: criteria provided, single submitter. Criteria: GeneDx Variant Classification (06012015). Collection method: clinical testing. Allele origin: germline. Affected: yes.
Comment: This variant is considered likely benign or benign based on one or more of the following criteria: it is a conservative change, it occurs at a poorly conserved position in the protein, it is predicted to be benign by multiple in silico algorithms, and/or has population frequency not consistent with disease.

Ambry Genetics
Classification: Likely benign for Inborn genetic diseases. Last evaluated: 2017-06-19. Review status: criteria provided, single submitter. Criteria: Ambry Variant Classification Scheme 2023. Collection method: clinical testing. Allele origin: germline.

NM_007327.4(GRIN1):c.2799C>T (p.Ser933=)

Gene: GRIN1 (glutamate ionotropic receptor NMDA type subunit 1; plus strand). Cytogenetic location: 9q34.3.
Variant type: single nucleotide variant.
Coding change: c.2799C>T on transcript NM_007327.4 (MANE Select); coding-DNA position 2799, C replaced by T.
Protein change: p.Ser933=; no amino-acid change (serine 933 retained).
Molecular consequence: synonymous variant. On other transcripts: intron variant (3).
Genome position (GRCh38, 1-based): chr9:137,167,509, C>T. VCF-style: chr9-137167509-C-T. GRCh37 (hg19) VCF-style: chr9-140061961-C-T.
Other names: c.2688C>T, p.Ser896= (NM_021569.4); c.2764-265C>T (NM_001185090.2); c.2653-265C>T (NM_001185091.2); c.2590-265C>T (NM_000832.7).
Identifiers: ClinVar variation 383068 (VCV000383068.53), dbSNP rs201012245, ClinGen allele CA5361230.